The following is an entry in ClinVar:

ClinVar aggregate classification (germline): Likely benign. Review status: criteria provided, multiple submitters, no conflicts (2 of 4 stars). 6 submissions from 6 submitters: Likely benign (6). Last evaluated 2025-09-23.

Conditions:
Familial thoracic aortic aneurysm and aortic dissection (TAAD). Also called: Thoracic aortic aneurysms and dissections. Identifiers: Orphanet 91387, MedGen C4707243, MONDO:0019625.
Marfan syndrome (MFS). Also called: Marfan syndrome type 1; Marfan syndrome, classic; Marfan's syndrome; FBN1-Related Marfan Syndrome; MARFAN SYNDROME, TYPE I. Identifiers: Orphanet 284963, Orphanet 558, MedGen C0024796, MONDO:0007947, OMIM 154700.
FBN1-related disorder. Also called: FBN1-related disorders.

Allele frequency attached by ClinVar (database versions not stated): ExAC 0.00001; TOPMed 0.00005; gnomAD exomes 0.00001 and 0.00008; 1000 Genomes Project 0.00020; 1000 Genomes Project 30x 0.00016; gnomAD 0.00004.
gnomAD v4.1: 120 of 1,613,956 alleles (0.0074%); highest among the groups gnomAD compares: Non-Finnish European, 0.01%; no homozygotes.

Submissions (6):

PreventionGenetics, part of Exact Sciences
Classification: Likely benign for FBN1-related condition. Last evaluated: 2025-09-23. Review status: criteria provided, single submitter. Criteria: ACMG Guidelines, 2015. Collection method: clinical testing. Allele origin: germline.
Comment: This variant is classified as likely benign based on ACMG/AMP sequence variant interpretation guidelines (Richards et al. 2015 PMID: 25741868, with internal and published modifications).

Labcorp Genetics (formerly Invitae), Labcorp
Classification: Likely benign for Marfan syndrome; Familial thoracic aortic aneurysm and aortic dissection. Last evaluated: 2025-08-07. Review status: criteria provided, single submitter. Criteria: Invitae Variant Classification Sherloc (09022015). Collection method: clinical testing. Allele origin: germline.

Blueprint Genetics
Classification: Likely benign. Last evaluated: 2020-12-23. Review status: criteria provided, single submitter. Criteria: ACMG Guidelines, 2015. Collection method: clinical testing. Allele origin: germline.

Women's Health and Genetics/Laboratory Corporation of America, LabCorp
Classification: Likely benign. Last evaluated: 2020-01-31. Review status: criteria provided, single submitter. Criteria: LabCorp Variant Classification Summary - May 2015. Collection method: clinical testing. Allele origin: germline.

Ambry Genetics
Classification: Likely benign for Familial thoracic aortic aneurysm and aortic dissection. Last evaluated: 2019-03-04. Review status: criteria provided, single submitter. Criteria: Ambry Variant Classification Scheme 2023. Collection method: clinical testing. Allele origin: germline.

Color Diagnostics, LLC DBA Color Health
Classification: Likely benign for Familial thoracic aortic aneurysm and aortic dissection. Last evaluated: 2018-10-16. Review status: criteria provided, single submitter. Criteria: ACMG Guidelines, 2015. Collection method: clinical testing. Allele origin: germline.

NM_000138.5(FBN1):c.405A>G (p.Leu135=)

Gene: FBN1 (fibrillin 1; minus strand). Cytogenetic location: 15q21.1.
Variant type: single nucleotide variant.
Coding change: c.405A>G on transcript NM_000138.5 (MANE Select); coding-DNA position 405, A replaced by G.
Protein change: p.Leu135=; no amino-acid change (leucine 135 retained).
Molecular consequence: synonymous variant.
Genome position (GRCh38, 1-based): chr15:48,600,176, T>C on the plus strand (A>G on the coding strand, the complement: FBN1 is on the minus strand). VCF-style: chr15-48600176-T-C. GRCh37 (hg19) VCF-style: chr15-48892373-T-C.
Identifiers: ClinVar variation 527230 (VCV000527230.17), dbSNP rs187254268, ClinGen allele CA051945.